The following is an entry in ClinVar:

NM_001364905.1(LRBA):c.4295A>C (p.Lys1432Thr)

Gene: LRBA (LPS responsive beige-like anchor protein; minus strand). Cytogenetic location: 4q31.3.
Variant type: single nucleotide variant.
Coding change: c.4295A>C on transcript NM_001364905.1 (MANE Select); coding-DNA position 4295, A replaced by C.
Protein change: p.Lys1432Thr; replaces lysine 1432 with threonine.
Molecular consequence: missense variant.
Genome position (GRCh38, 1-based): chr4:150,848,862, T>G on the plus strand (A>C on the coding strand, the complement: LRBA is on the minus strand). VCF-style: chr4-150848862-T-G. GRCh37 (hg19) VCF-style: chr4-151770014-T-G.
Other names: c.4295A>C, p.Lys1432Thr (NM_001199282.3, NM_001367550.1, NM_006726.5); short protein forms K1432T.
Identifiers: ClinVar variation 953993 (VCV000953993.9), dbSNP rs1750225948, ClinGen allele CA358452821.

ClinVar aggregate classification (germline): Uncertain significance (1 of 4 stars; one submission).

Conditions:
Combined immunodeficiency due to LRBA deficiency. Also called: Common variable immunodeficiency 8, with autoimmunity. Identifiers: Orphanet 445018, MedGen C3553512, MONDO:0013863, OMIM 614700.

gnomAD v4.1: 1 of 1,612,320 alleles (0.000062%); no homozygotes.

Submission:

Labcorp Genetics (formerly Invitae), Labcorp
Classification: Uncertain significance for Combined immunodeficiency due to LRBA deficiency. Last evaluated: 2022-02-13. Review status: criteria provided, single submitter. Criteria: Invitae Variant Classification Sherloc (09022015). Collection method: clinical testing. Allele origin: germline.
Comment: In summary, the available evidence is currently insufficient to determine the role of this variant in disease. Therefore, it has been classified as a Variant of Uncertain Significance. Algorithms developed to predict the effect of missense changes on protein structure and function are either unavailable or do not agree on the potential impact of this missense change (SIFT: "Deleterious"; PolyPhen-2: "Probably Damaging"; Align-GVGD: "Class C0"). ClinVar contains an entry for this variant (Variation ID: 953993). This variant has not been reported in the literature in individuals affected with LRBA-related conditions. This variant is not present in population databases (gnomAD no frequency). This sequence change replaces lysine, which is basic and polar, with threonine, which is neutral and polar, at codon 1432 of the LRBA protein (p.Lys1432Thr).